The following is an entry in ClinVar:

ClinVar aggregate classification (germline): Conflicting classifications of pathogenicity. Review status: criteria provided, conflicting classifications (1 of 4 stars). 4 submissions from 4 submitters: Uncertain significance (3); Likely benign (1). Last evaluated 2025-10-28.

Conditions:
Hereditary breast ovarian cancer syndrome. Also called: BRCA1- and BRCA2-Associated Hereditary Breast and Ovarian Cancer; Hereditary breast and ovarian cancer syndrome; Hereditary breast and ovarian cancer; Hereditary breast and ovarian cancer syndrome (HBOC); Breast and ovarian cancer; Hereditary breast and/or ovarian cancer syndrome. Identifiers: Orphanet 145, MedGen C0677776, MeSH D061325, MONDO:0003582. Disease mechanism: loss of function.
Hereditary cancer-predisposing syndrome. Also called: Neoplastic Syndromes, Hereditary; Tumor predisposition; Hereditary Cancer Syndrome; Hereditary neoplastic syndrome. Identifiers: Orphanet 140162, MedGen C0027672, MeSH D009386, MONDO:0015356.

Allele frequency attached by ClinVar (database versions not stated): gnomAD exomes below 0.00001; ExAC 0.00001; gnomAD 0.00001; 1000 Genomes Project 30x 0.00016; 1000 Genomes Project 0.00020.
gnomAD v4.1: 2 of 1,614,102 alleles (0.00012%); highest among the groups gnomAD compares: South Asian, 0.0011%; no homozygotes.

Submissions (4):

Color Diagnostics, LLC DBA Color Health
Classification: Uncertain significance for Hereditary cancer-predisposing syndrome. Last evaluated: 2025-10-28. Review status: criteria provided, single submitter. Criteria: ACMG Guidelines, 2015. Collection method: clinical testing. Allele origin: germline.
Comment: This missense variant replaces asparagine with aspartic acid at codon 714 of the BRCA1 protein. Computational prediction suggests that this variant may not impact protein structure and function. To our knowledge, functional studies have not been reported for this variant. This variant has not been reported in individuals affected with BRCA1-related disorders in the literature. This variant has been identified in 2/1614102 chromosomes in the general population by the Genome Aggregation Database (gnomAD). The available evidence is insufficient to determine the role of this variant in disease conclusively. Therefore, this variant is classified as a Variant of Uncertain Significance.

Ambry Genetics
Classification: Uncertain significance for Hereditary cancer-predisposing syndrome. Last evaluated: 2023-08-28. Review status: criteria provided, single submitter. Criteria: Ambry Variant Classification Scheme 2023. Collection method: clinical testing. Allele origin: germline.
Comment: The p.N714D variant (also known as c.2140A>G), located in coding exon 9 of the BRCA1 gene, results from an A to G substitution at nucleotide position 2140. The asparagine at codon 714 is replaced by aspartic acid, an amino acid with highly similar properties. This amino acid position is poorly conserved in available vertebrate species. In addition, this alteration is predicted to be tolerated by in silico analysis. Since supporting evidence is limited at this time, the clinical significance of this alteration remains unclear.

University of Washington Department of Laboratory Medicine, University of Washington
Classification: Likely benign for Hereditary cancer-predisposing syndrome. Last evaluated: 2023-03-23. Review status: criteria provided, single submitter. Criteria: Dines et al. (Genet Med. 2020). Collection method: curation. Allele origin: germline.
Comment: Missense variant in a coldspot region where missense variants are very unlikely to be pathogenic (PMID:31911673).

BRCA1 coldspot (exon 11 using historical exon numbering). Reclassification based on statistical prior probability

Labcorp Genetics (formerly Invitae), Labcorp
Classification: Uncertain significance for Hereditary breast ovarian cancer syndrome. Last evaluated: 2023-02-10. Review status: criteria provided, single submitter. Criteria: Invitae Variant Classification Sherloc (09022015). Collection method: clinical testing. Allele origin: germline.
Comment: Advanced modeling of protein sequence and biophysical properties (such as structural, functional, and spatial information, amino acid conservation, physicochemical variation, residue mobility, and thermodynamic stability) performed at Invitae indicates that this missense variant is not expected to disrupt BRCA1 protein function. In summary, the available evidence is currently insufficient to determine the role of this variant in disease. Therefore, it has been classified as a Variant of Uncertain Significance. ClinVar contains an entry for this variant (Variation ID: 922899). This sequence change replaces asparagine, which is neutral and polar, with aspartic acid, which is acidic and polar, at codon 714 of the BRCA1 protein (p.Asn714Asp). This variant is present in population databases (rs568312345, gnomAD 0.003%). This variant has not been reported in the literature in individuals affected with BRCA1-related conditions.

NM_007294.4(BRCA1):c.2140A>G (p.Asn714Asp)

Gene: BRCA1 (BRCA1 DNA repair associated; minus strand). Cytogenetic location: 17q21.31.
Variant type: single nucleotide variant.
Coding change: c.2140A>G on transcript NM_007294.4 (MANE Select); coding-DNA position 2140, A replaced by G.
Protein change: p.Asn714Asp; replaces asparagine 714 with aspartic acid.
Molecular consequence: missense variant. On other transcripts: intron variant (137).
Genome position (GRCh38, 1-based): chr17:43,093,391, T>C on the plus strand (A>G on the coding strand, the complement: BRCA1 is on the minus strand). VCF-style: chr17-43093391-T-C. GRCh37 (hg19) VCF-style: chr17-41245408-T-C.
Other names: c.1930A>G, p.Asn644Asp (NM_001407882.1, NM_001407884.1, NM_001407885.1 and 13 more transcripts); c.2140A>G, p.Asn714Asp (NM_001407620.1, NM_001407621.1, NM_001407625.1 and 30 more transcripts); c.545-2359A>G (NM_001408495.1); c.661+1353A>G (NM_001408448.1, NM_001408446.1, NM_001408435.1 and 6 more transcripts); c.2137A>G, p.Asn713Asp (NM_001407628.1, NM_001407627.1, NM_001407587.1 and 22 more transcripts); c.784+1353A>G (NM_001407991.1, NM_001408397.1, NM_001408401.1 and 13 more transcripts); c.523+1353A>G (NM_001408496.1, NM_001408498.1, NM_001408501.1 and 3 more transcripts); c.646+1353A>G (NM_001408454.1, NM_001408460.1, NM_001408458.1 and 11 more transcripts); and 41 more; short protein forms N667D, N714D, N586D, N602D, N643D, N646D, N418D, N546D.
Identifiers: ClinVar variation 922899 (VCV000922899.13), dbSNP rs568312345, ClinGen allele CA058784.